The following is an entry in ClinVar:

ClinVar aggregate classification (germline): Likely pathogenic (1 of 4 stars; one submission).

Submission:

GeneDx
Classification: Likely pathogenic. Last evaluated: 2020-01-15. Review status: criteria provided, single submitter. Criteria: GeneDx Variant Classification Process June 2021. Collection method: clinical testing. Allele origin: germline. Affected: yes.
Comment: Frameshift variant predicted to result in protein truncation or nonsense mediated decay in a gene for which loss-of-function is a known mechanism of disease; Not observed in large population cohorts (Lek et al., 2016); Has not been previously published as pathogenic or benign to our knowledge

NM_001005242.3(PKP2):c.326_336del (p.Asp109fs)

Gene: PKP2 (plakophilin 2; minus strand). Cytogenetic location: 12p11.21.
Variant type: Deletion.
Coding change: c.326_336del on transcript NM_001005242.3 (MANE Select); coding-DNA positions 326 to 336, 11 bases deleted (ACATGCTAAAG).
Protein change: p.Asp109fs; shifts the reading frame from aspartic acid 109.
Molecular consequence: frameshift variant.
Genome position (GRCh38, 1-based): chr12:32,878,920-32,878,930, CTTTAGCATGT deleted on the plus strand (ACATGCTAAAG on the coding strand, the reverse complement: PKP2 is on the minus strand); deleting any 11 consecutive bases within chr12:32,878,920-32,878,931 gives the same sequence; the c. name uses the placement nearest the transcript's 3' end. VCF-style (leftmost placement, unchanged base first): chr12-32878919-CCTTTAGCATGT-C. GRCh37 (hg19) VCF-style: chr12-33031853-CCTTTAGCATGT-C.
Other names: c.326_336delACATGCTAAAG (NM_004572.3); c.326_336del, p.Asp109fs (NM_004572.4); short protein forms D109fs.
Identifiers: ClinVar variation 423160 (VCV000423160.4), dbSNP rs1064796268, ClinGen allele CA16619520.